The following is an entry in ClinVar:

NM_000078.3(CETP):c.1354A>G (p.Ser452Gly)

Gene: CETP (cholesteryl ester transfer protein; plus strand). Cytogenetic location: 16q13.
Variant type: single nucleotide variant.
Coding change: c.1354A>G on transcript NM_000078.3 (MANE Select); coding-DNA position 1354, A replaced by G.
Protein change: p.Ser452Gly; replaces serine 452 with glycine.
Molecular consequence: missense variant.
Genome position (GRCh38, 1-based): chr16:56,983,358, A>G. VCF-style: chr16-56983358-A-G. GRCh37 (hg19) VCF-style: chr16-57017270-A-G.
Other names: c.1174A>G, p.Ser392Gly (NM_001286085.2); short protein forms S392G, S452G.
Identifiers: ClinVar variation 4710269 (VCV004710269.1).

ClinVar aggregate classification (germline): Uncertain significance (1 of 4 stars; one submission).

gnomAD v4.1: 19 of 1,614,144 alleles (0.0012%); highest among the groups gnomAD compares: Non-Finnish European, 0.0016%; no homozygotes.

Submission:

Labcorp Genetics (formerly Invitae), Labcorp
Classification: Uncertain significance. Last evaluated: 2025-07-22. Review status: criteria provided, single submitter. Criteria: Invitae Variant Classification Sherloc (09022015). Collection method: clinical testing. Allele origin: germline.
Comment: This sequence change replaces serine, which is neutral and polar, with glycine, which is neutral and non-polar, at codon 452 of the CETP protein (p.Ser452Gly). This variant is present in population databases (no rsID available, gnomAD 0.003%). This variant has not been reported in the literature in individuals affected with CETP-related conditions. An algorithm developed to predict the effect of missense changes on protein structure and function (PolyPhen-2) suggests that this variant is likely to be tolerated. Experimental studies have shown that this missense change does not substantially affect CETP function (PMID: 38039300). In summary, the available evidence is currently insufficient to determine the role of this variant in disease. Therefore, it has been classified as a Variant of Uncertain Significance.

Literature cited by the submitters: PubMed 38039300.